The following is an entry in ClinVar:

NM_020975.6(RET):c.632G>A (p.Gly211Asp)

Gene: RET (ret proto-oncogene; plus strand). Cytogenetic location: 10q11.21.
Variant type: single nucleotide variant.
Coding change: c.632G>A on transcript NM_020975.6 (MANE Select); coding-DNA position 632, G replaced by A.
Protein change: p.Gly211Asp; replaces glycine 211 with aspartic acid.
Molecular consequence: missense variant.
Genome position (GRCh38, 1-based): chr10:43,104,958, G>A. VCF-style: chr10-43104958-G-A. GRCh37 (hg19) VCF-style: chr10-43600406-G-A.
Other names: c.632G>A, p.Gly211Asp (NM_000323.2, NM_001406743.1, NM_001406744.1 and 8 more transcripts); c.-131G>A (NM_001355216.2); c.503G>A, p.Gly168Asp (NM_001406761.1, NM_001406762.1, NM_001406764.1 and 2 more transcripts); c.344G>A, p.Gly115Asp (NM_001406766.1, NM_001406767.1, NM_001406770.1); short protein forms G211D, G115D, G168D.
Identifiers: ClinVar variation 405532 (VCV000405532.11), dbSNP rs1060500756, ClinGen allele CA16613007.

ClinVar aggregate classification (germline): Conflicting classifications of pathogenicity. Review status: criteria provided, conflicting classifications (1 of 4 stars). 2 submissions from 2 submitters: Uncertain significance (1); Likely benign (1). Last evaluated 2026-08-27.

Conditions:
Multiple endocrine neoplasia, type 2 (MEN2). Identifiers: Orphanet 653, MedGen C4048306, MONDO:0019003. Disease mechanism: gain of function.
Hereditary cancer-predisposing syndrome. Also called: Neoplastic Syndromes, Hereditary; Hereditary Cancer Syndrome; Tumor predisposition; Hereditary neoplastic syndrome. Identifiers: Orphanet 140162, MedGen C0027672, MeSH D009386, MONDO:0015356.

Allele frequency attached by ClinVar (database versions not stated): gnomAD exomes below 0.00001.

Submissions (2):

Ambry Genetics
Classification: Likely benign for Hereditary cancer-predisposing syndrome. Last evaluated: 2026-08-27. Review status: criteria provided, single submitter. Criteria: Ambry Variant Classification Scheme 2023. Collection method: clinical testing. Allele origin: germline.

Labcorp Genetics (formerly Invitae), Labcorp
Classification: Uncertain significance for Multiple endocrine neoplasia, type 2. Last evaluated: 2024-07-18. Review status: criteria provided, single submitter. Criteria: Invitae Variant Classification Sherloc (09022015). Collection method: clinical testing. Allele origin: germline.
Comment: This sequence change replaces glycine, which is neutral and non-polar, with aspartic acid, which is acidic and polar, at codon 211 of the RET protein (p.Gly211Asp). This variant is not present in population databases (gnomAD no frequency). This variant has not been reported in the literature in individuals affected with RET-related conditions. ClinVar contains an entry for this variant (Variation ID: 405532). An algorithm developed to predict the effect of missense changes on protein structure and function outputs the following: PolyPhen-2: "Benign". The aspartic acid amino acid residue is found in multiple mammalian species, which suggests that this missense change does not adversely affect protein function. In summary, the available evidence is currently insufficient to determine the role of this variant in disease. Therefore, it has been classified as a Variant of Uncertain Significance.